The following is an entry in ClinVar:

ClinVar aggregate classification (germline): Uncertain significance (1 of 4 stars; one submission).

Submission:

GeneDx
Classification: Uncertain significance. Last evaluated: 2025-01-10. Review status: criteria provided, single submitter. Criteria: GeneDx Variant Classification Process June 2021. Collection method: clinical testing. Allele origin: germline. Affected: yes.
Comment: Not observed at significant frequency in large population cohorts (gnomAD); In silico analysis supports that this missense variant has a deleterious effect on protein structure/function; Has not been previously published as pathogenic or benign to our knowledge

NM_002971.6(SATB1):c.1321G>C (p.Asp441His)

Gene: SATB1 (SATB homeobox 1; minus strand). Cytogenetic location: 3p24.3.
Variant type: single nucleotide variant.
Coding change: c.1321G>C on transcript NM_002971.6 (MANE Select); coding-DNA position 1321, G replaced by C.
Protein change: p.Asp441His; replaces aspartic acid 441 with histidine.
Molecular consequence: missense variant.
Genome position (GRCh38, 1-based): chr3:18,386,497, C>G on the plus strand (G>C on the coding strand, the complement: SATB1 is on the minus strand). VCF-style: chr3-18386497-C-G. GRCh37 (hg19) VCF-style: chr3-18427989-C-G.
Other names: c.1321G>C, p.Asp441His (NM_001131010.4, NM_001195470.3, NM_001322871.2 and 4 more transcripts); c.1105G>C, p.Asp369His (NM_001322876.2); short protein forms D369H, D441H.
Identifiers: ClinVar variation 4057070 (VCV004057070.1).